The following is an entry in ClinVar:

ClinVar aggregate classification (germline): Conflicting classifications of pathogenicity. Review status: criteria provided, conflicting classifications (1 of 4 stars). 3 submissions from 3 submitters: Uncertain significance (2); Likely benign (1). Last evaluated 2026-01-27.

Conditions:
Encephalopathy, acute, infection-induced (herpes-specific), susceptibility to, 6. Also called: Herpes simplex encephalitis, susceptibility to, 4. Identifiers: Orphanet 1930, MedGen C3553869, MONDO:0013921, OMIM 614850.

Allele frequency attached by ClinVar (database versions not stated): gnomAD 0.00037 and 0.00036; gnomAD exomes 0.00056 and 0.00055; TOPMed 0.00047; ExAC 0.00050; ESP Exome Variant Server 0.00008.

Submissions (3):

Labcorp Genetics (formerly Invitae), Labcorp
Classification: Uncertain significance for Encephalopathy, acute, infection-induced (herpes-specific), susceptibility to, 6. Last evaluated: 2026-01-27. Review status: criteria provided, single submitter. Criteria: Invitae Variant Classification Sherloc (09022015). Collection method: clinical testing. Allele origin: germline.
Comment: This sequence change replaces arginine, which is basic and polar, with glutamine, which is neutral and polar, at codon 71 of the TICAM1 protein (p.Arg71Gln). This variant is present in population databases (rs372818181, gnomAD 0.2%), and has an allele count higher than expected for a pathogenic variant. This variant has not been reported in the literature in individuals affected with TICAM1-related conditions. ClinVar contains an entry for this variant (Variation ID: 652791). An algorithm developed to predict the effect of missense changes on protein structure and function outputs the following: PolyPhen-2: "Benign". The glutamine amino acid residue is found in multiple mammalian species, which suggests that this missense change does not adversely affect protein function. In summary, the available evidence is currently insufficient to determine the role of this variant in disease. Therefore, it has been classified as a Variant of Uncertain Significance.

Blueprint Genetics
Classification: Likely benign. Last evaluated: 2024-08-28. Review status: criteria provided, single submitter. Criteria: ACMG Guidelines, 2015. Collection method: clinical testing. Allele origin: germline.

Fulgent Genetics
Classification: Uncertain significance for Encephalopathy, acute, infection-induced (herpes-specific), susceptibility to, 6. Last evaluated: 2024-06-11. Review status: criteria provided, single submitter. Criteria: ACMG Guidelines, 2015. Collection method: clinical testing. Allele origin: germline.

NM_182919.4(TICAM1):c.212G>A (p.Arg71Gln)

Gene: TICAM1 (TIR domain containing adaptor molecule 1; minus strand). Cytogenetic location: 19p13.3.
Variant type: single nucleotide variant.
Coding change: c.212G>A on transcript NM_182919.4 (MANE Select); coding-DNA position 212, G replaced by A.
Protein change: p.Arg71Gln; replaces arginine 71 with glutamine.
Molecular consequence: missense variant. On other transcripts: intron variant (1).
Genome position (GRCh38, 1-based): chr19:4,818,166, C>T on the plus strand (G>A on the coding strand, the complement: TICAM1 is on the minus strand). VCF-style: chr19-4818166-C-T. GRCh37 (hg19) VCF-style: chr19-4818178-C-T.
Other names: c.170G>A, p.Arg57Gln (NM_001385678.1); c.77G>A, p.Arg26Gln (NM_001385679.1); c.-72+218G>A (NM_001385680.1); short protein forms R71Q, R26Q, R57Q.
Identifiers: ClinVar variation 652791 (VCV000652791.9), dbSNP rs372818181, ClinGen allele CA9105402.